The following is an entry in ClinVar:

ClinVar aggregate classification (germline): Uncertain significance (1 of 4 stars; one submission).

Conditions:
Familial sleep-related hypermotor epilepsy. Also called: Autosomal Dominant Sleep-Related Hypermotor (Hyperkinetic) Epilepsy. Identifiers: Orphanet 98784, MedGen C3696898, MONDO:0000030.

Allele frequency attached by ClinVar (database versions not stated): TOPMed 0.00001; ExAC 0.00002.
gnomAD v4.1: 8 of 1,613,750 alleles (0.0005%); highest among the groups gnomAD compares: Non-Finnish European, 0.00059%; no homozygotes.

Submission:

Labcorp Genetics (formerly Invitae), Labcorp
Classification: Uncertain significance. Last evaluated: 2024-02-24. Review status: criteria provided, single submitter. Criteria: Invitae Variant Classification Sherloc (09022015). Collection method: clinical testing. Allele origin: germline.
Comment: This sequence change replaces alanine, which is neutral and non-polar, with threonine, which is neutral and polar, at codon 369 of the CHRNA2 protein (p.Ala369Thr). This variant is present in population databases (rs762282272, gnomAD 0.003%). This variant has not been reported in the literature in individuals affected with CHRNA2-related conditions. ClinVar contains an entry for this variant (Variation ID: 2068336). Advanced modeling of protein sequence and biophysical properties (such as structural, functional, and spatial information, amino acid conservation, physicochemical variation, residue mobility, and thermodynamic stability) performed at Invitae indicates that this missense variant is not expected to disrupt CHRNA2 protein function with a negative predictive value of 80%. In summary, the available evidence is currently insufficient to determine the role of this variant in disease. Therefore, it has been classified as a Variant of Uncertain Significance.

NM_000742.4(CHRNA2):c.1105G>A (p.Ala369Thr)

Gene: CHRNA2 (cholinergic receptor nicotinic alpha 2 subunit; minus strand). Cytogenetic location: 8p21.2.
Variant type: single nucleotide variant.
Coding change: c.1105G>A on transcript NM_000742.4 (MANE Select); coding-DNA position 1105, G replaced by A.
Protein change: p.Ala369Thr; replaces alanine 369 with threonine.
Molecular consequence: missense variant.
Genome position (GRCh38, 1-based): chr8:27,463,338, C>T on the plus strand (G>A on the coding strand, the complement: CHRNA2 is on the minus strand). VCF-style: chr8-27463338-C-T. GRCh37 (hg19) VCF-style: chr8-27320855-C-T.
Other names: c.1060G>A, p.Ala354Thr (NM_001282455.2); c.628G>A, p.Ala210Thr (NM_001347705.2, NM_001347706.2); c.511G>A, p.Ala171Thr (NM_001347707.2, NM_001347708.2); short protein forms A369T, A210T, A171T, A354T.
Identifiers: ClinVar variation 2068336 (VCV002068336.4), dbSNP rs762282272, ClinGen allele CA4689526.